The following is an entry in ClinVar:

NM_004415.4(DSP):c.4502A>G (p.Glu1501Gly)

Gene: DSP (desmoplakin; plus strand). Cytogenetic location: 6p24.3.
Variant type: single nucleotide variant.
Coding change: c.4502A>G on transcript NM_004415.4 (MANE Select); coding-DNA position 4502, A replaced by G.
Protein change: p.Glu1501Gly; replaces glutamic acid 1501 with glycine.
Molecular consequence: missense variant. On other transcripts: intron variant (2).
Genome position (GRCh38, 1-based): chr6:7,580,692, A>G. VCF-style: chr6-7580692-A-G. GRCh37 (hg19) VCF-style: chr6-7580925-A-G.
Other names: c.4050+452A>G (NM_001319034.2); c.3582+920A>G (NM_001008844.3); short protein forms E1501G.
Identifiers: ClinVar variation 1171955 (VCV001171955.8), dbSNP rs1759403946, ClinGen allele CA362686450.
Genomic context (GRCh38, chr6:7,580,692, plus strand): 5'-AGGAGATAGAAAGGTTAAAACAACTGATCGACAAAGAAACAAATGACCGGAAATGCCTGG[A>G]AGATGAAAACGCGAGATTACAAAGGGTCCAGTATGACCTGCAGAAAGCAAACAGTAGTGC-3'
Protein context (NP_004406.2, residues 1491-1511): DKETNDRKCL[Glu1501Gly]DENARLQRVQ

ClinVar aggregate classification (germline): Uncertain significance. Review status: criteria provided, multiple submitters, no conflicts (2 of 4 stars). 4 submissions from 4 submitters: Uncertain significance (4). Last evaluated 2025-06-01.

Conditions:
Cardiovascular phenotype. Identifiers: MedGen CN230736.
Cardiomyopathy (CMYO). Also called: Cardiomyopathies. Identifiers: Orphanet 167848, MedGen C0878544, MONDO:0004994, HP:0001638. Inheritance: Various modes of inheritance.
Arrhythmogenic cardiomyopathy with wooly hair and keratoderma. Also called: Dilated cardiomyopathy with woolly hair and keratoderma; PALMOPLANTAR KERATODERMA WITH LEFT VENTRICULAR CARDIOMYOPATHY AND WOOLLY HAIR; Carvajal syndrome; Arrhythmogenic cardiomyopathy with woolly hair and keratoderma. Identifiers: Orphanet 65282, MedGen C1854063, MONDO:0011581, OMIM 605676.
Arrhythmogenic right ventricular dysplasia 8 (ARVD8). Also called: Arrhythmogenic Right Ventricular Dysplasia/Cardiomyopathy 8; ARRHYTHMOGENIC RIGHT VENTRICULAR DYSPLASIA, FAMILIAL, 8; ARRHYTHMOGENIC RIGHT VENTRICULAR CARDIOMYOPATHY 8. Identifiers: MedGen C1843896, MONDO:0011831, OMIM 607450.

Allele frequency attached by ClinVar (database versions not stated): TOPMed 0.00001.

Submissions (4):

Ambry Genetics
Classification: Uncertain significance for Cardiovascular phenotype. Last evaluated: 2025-06-01. Review status: criteria provided, single submitter. Criteria: Ambry Variant Classification Scheme 2023. Collection method: clinical testing. Allele origin: germline.
Comment: The p.E1501G variant (also known as c.4502A>G), located in coding exon 23 of the DSP gene, results from an A to G substitution at nucleotide position 4502. The glutamic acid at codon 1501 is replaced by glycine, an amino acid with similar properties. This amino acid position is conserved. In addition, the in silico prediction for this alteration is inconclusive. Based on the available evidence, the clinical significance of this variant remains unclear.

Labcorp Genetics (formerly Invitae), Labcorp
Classification: Uncertain significance for Arrhythmogenic cardiomyopathy with wooly hair and keratoderma; Arrhythmogenic right ventricular dysplasia 8. Last evaluated: 2024-08-04. Review status: criteria provided, single submitter. Criteria: Invitae Variant Classification Sherloc (09022015). Collection method: clinical testing. Allele origin: germline.
Comment: This sequence change replaces glutamic acid, which is acidic and polar, with glycine, which is neutral and non-polar, at codon 1501 of the DSP protein (p.Glu1501Gly). This variant is not present in population databases (gnomAD no frequency). This variant has not been reported in the literature in individuals affected with DSP-related conditions. ClinVar contains an entry for this variant (Variation ID: 1171955). An algorithm developed to predict the effect of missense changes on protein structure and function (PolyPhen-2) suggests that this variant is likely to be tolerated. In summary, the available evidence is currently insufficient to determine the role of this variant in disease. Therefore, it has been classified as a Variant of Uncertain Significance.

All of Us Research Program, National Institutes of Health
Classification: Uncertain significance for Arrhythmogenic cardiomyopathy with wooly hair and keratoderma. Last evaluated: 2024-07-29. Review status: criteria provided, single submitter. Criteria: ACMG Guidelines, 2015. Collection method: clinical testing. Allele origin: germline. Inheritance: Autosomal dominant inheritance. Observed: 2 variant alleles, 2 heterozygotes.
Comment: This missense variant replaces glutamic acid with glycine at codon 1501 of the DSP protein. Computational prediction suggests that this variant may not impact protein structure and function (internally defined REVEL score threshold <= 0.5, PMID: 27666373). To our knowledge, functional studies have not been reported for this variant. This variant has not been reported in individuals affected with cardiovascular disorders in the literature. This variant has not been identified in the general population by the Genome Aggregation Database (gnomAD). The available evidence is insufficient to determine the role of this variant in disease conclusively. Therefore, this variant is classified as a Variant of Uncertain Significance.

This study involves interpretation of variants in research participants for the purpose of population health screening. Participant phenotype was not available at the time of variant classification. Additional details can be found in publication PMID: 35346344, PMCID: PMC8962531

Color Diagnostics, LLC DBA Color Health
Classification: Uncertain significance for Cardiomyopathy. Last evaluated: 2024-03-06. Review status: criteria provided, single submitter. Criteria: ACMG Guidelines, 2015. Collection method: clinical testing. Allele origin: germline.
Comment: This missense variant replaces glutamic acid with glycine at codon 1501 of the DSP protein. Computational prediction suggests that this variant may not impact protein structure and function (internally defined REVEL score threshold <= 0.5, PMID: 27666373). To our knowledge, functional studies have not been reported for this variant. This variant has not been reported in individuals affected with cardiovascular disorders in the literature. This variant has not been identified in the general population by the Genome Aggregation Database (gnomAD). The available evidence is insufficient to determine the role of this variant in disease conclusively. Therefore, this variant is classified as a Variant of Uncertain Significance.